The following is an entry in ClinVar:

ClinVar aggregate classification (germline): Uncertain significance. Review status: criteria provided, multiple submitters, no conflicts (2 of 4 stars). 2 submissions from 2 submitters: Uncertain significance (2). Last evaluated 2025-02-14.

Conditions:
Multiple endocrine neoplasia, type 1 (MEN1). Also called: MEN I; WERMER SYNDROME; Endocrine adenomatosis multiple; MEN 1; MEA I. Identifiers: Orphanet 652, MedGen C0025267, MeSH D018761, MONDO:0007540, OMIM 131100.

Submissions (2):

Quest Diagnostics Nichols Institute San Juan Capistrano
Classification: Uncertain significance. Last evaluated: 2025-02-14. Review status: criteria provided, single submitter. Criteria: Quest Diagnostics criteria. Collection method: clinical testing. Allele origin: unknown.

Labcorp Genetics (formerly Invitae), Labcorp
Classification: Uncertain significance for Multiple endocrine neoplasia, type 1. Last evaluated: 2023-02-18. Review status: criteria provided, single submitter. Criteria: Invitae Variant Classification Sherloc (09022015). Collection method: clinical testing. Allele origin: germline.
Comment: In summary, the available evidence is currently insufficient to determine the role of this variant in disease. Therefore, it has been classified as a Variant of Uncertain Significance. Advanced modeling of protein sequence and biophysical properties (such as structural, functional, and spatial information, amino acid conservation, physicochemical variation, residue mobility, and thermodynamic stability) performed at Invitae indicates that this missense variant is expected to disrupt MEN1 protein function. ClinVar contains an entry for this variant (Variation ID: 1386306). This variant has not been reported in the literature in individuals affected with MEN1-related conditions. This variant is not present in population databases (gnomAD no frequency). This sequence change replaces leucine, which is neutral and non-polar, with proline, which is neutral and non-polar, at codon 89 of the MEN1 protein (p.Leu89Pro).

NM_001370259.2(MEN1):c.266T>C (p.Leu89Pro)

Gene: MEN1 (menin 1; minus strand). Cytogenetic location: 11q13.1.
Variant type: single nucleotide variant.
Coding change: c.266T>C on transcript NM_001370259.2 (MANE Select); coding-DNA position 266, T replaced by C.
Protein change: p.Leu89Pro; replaces leucine 89 with proline.
Molecular consequence: missense variant.
Genome position (GRCh38, 1-based): chr11:64,809,844, A>G on the plus strand (T>C on the coding strand, the complement: MEN1 is on the minus strand). VCF-style: chr11-64809844-A-G. GRCh37 (hg19) VCF-style: chr11-64577316-A-G.
Other names: c.266T>C, p.Leu89Pro (NM_000244.4, NM_001370251.2, NM_001370260.2 and 9 more transcripts); c.266T>C (NM_130799.2); short protein forms L89P.
Identifiers: ClinVar variation 1386306 (VCV001386306.7), dbSNP rs2136187120, ClinGen allele CA381187523.